The following is an entry in ClinVar:

ClinVar aggregate classification (germline): Uncertain significance (1 of 4 stars; one submission).

Conditions:
Severe X-linked myotubular myopathy (CNMX). Also called: Myotubular myopathy, X-linked; X-linked centronuclear myopathy; MYOTUBULAR MYOPATHY 1. Identifiers: Orphanet 596, MedGen C0410203, MONDO:0010683, OMIM 310400.

Allele frequency attached by ClinVar (database versions not stated): gnomAD 0.00001; TOPMed 0.00002.
gnomAD v4.1: 46 of 1,209,210 alleles (0.0038%); highest among the groups gnomAD compares: East Asian, 0.0059%; no homozygotes.

Submission:

Labcorp Genetics (formerly Invitae), Labcorp
Classification: Uncertain significance for Severe X-linked myotubular myopathy. Last evaluated: 2026-01-18. Review status: criteria provided, single submitter. Criteria: Invitae Variant Classification Sherloc (09022015). Collection method: clinical testing. Allele origin: germline.
Comment: This sequence change replaces serine, which is neutral and polar, with leucine, which is neutral and non-polar, at codon 593 of the MTM1 protein (p.Ser593Leu). This variant is present in population databases (no rsID available, gnomAD 0.004%). This variant has not been reported in the literature in individuals affected with MTM1-related conditions. ClinVar contains an entry for this variant (Variation ID: 2146109). Invitae Evidence Modeling of protein sequence and biophysical properties (such as structural, functional, and spatial information, amino acid conservation, physicochemical variation, residue mobility, and thermodynamic stability) indicates that this missense variant is not expected to disrupt MTM1 protein function with a negative predictive value of 80%. In summary, the available evidence is currently insufficient to determine the role of this variant in disease. Therefore, it has been classified as a Variant of Uncertain Significance.

NM_000252.3(MTM1):c.1778C>T (p.Ser593Leu)

Gene: MTM1 (myotubularin 1; plus strand). Cytogenetic location: Xq28.
Variant type: single nucleotide variant.
Coding change: c.1778C>T on transcript NM_000252.3 (MANE Select); coding-DNA position 1778, C replaced by T.
Protein change: p.Ser593Leu; replaces serine 593 with leucine.
Molecular consequence: missense variant.
Genome position (GRCh38, 1-based): chrX:150,671,561, C>T. VCF-style: chrX-150671561-C-T. GRCh37 (hg19) VCF-style: chrX-149840034-C-T.
Other names: c.1775C>T, p.Ser592Leu (NM_001376906.1); c.1667C>T, p.Ser556Leu (NM_001376907.1); c.1778C>T, p.Ser593Leu (NM_001376908.1); short protein forms S593L, S556L, S592L.
Identifiers: ClinVar variation 2146109 (VCV002146109.2), dbSNP rs950958823, ClinGen allele CA336163071.